The following is an entry in ClinVar:

NM_138471.3(SPINDOC):c.519C>T (p.Ala173=)

Gene: SPINDOC (spindlin interactor and repressor of chromatin binding; plus strand). Cytogenetic location: 11q13.1.
Variant type: single nucleotide variant.
Coding change: c.519C>T on transcript NM_138471.3 (MANE Select); coding-DNA position 519, C replaced by T.
Protein change: p.Ala173=; no amino-acid change (alanine 173 retained).
Molecular consequence: synonymous variant.
Genome position (GRCh38, 1-based): chr11:63,818,277, C>T. VCF-style: chr11-63818277-C-T. GRCh37 (hg19) VCF-style: chr11-63585749-C-T.
Identifiers: ClinVar variation 2641904 (VCV002641904.24), dbSNP rs148120037, ClinGen allele CA6064992.

ClinVar aggregate classification (germline): Likely benign (1 of 4 stars; one submission).

Allele frequency attached by ClinVar (database versions not stated): 1000 Genomes Project 30x 0.00016; 1000 Genomes Project 0.00020; TOPMed 0.00082; ExAC 0.00096; gnomAD 0.00099; ESP Exome Variant Server 0.00100; gnomAD exomes 0.00160.
gnomAD v4.1: 2,527 of 1,613,968 alleles (0.16%); highest among the groups gnomAD compares: Non-Finnish European, 0.2%; 3 homozygotes.

Submission:

CeGaT Center for Human Genetics Tuebingen
Classification: Likely benign. Last evaluated: 2023-03-01. Review status: criteria provided, single submitter. Criteria: CeGaT Center For Human Genetics Tuebingen Variant Classification Criteria Version 2. Collection method: clinical testing. Allele origin: germline. Affected: yes. Observed: 1 variant allele.
Comment: SPINDOC: BP4, BP7